The following is an entry in ClinVar:

NM_015261.3(NCAPD3):c.2568C>T (p.Tyr856=)

Gene: NCAPD3 (non-SMC condensin II complex subunit D3; minus strand). Cytogenetic location: 11q25.
Variant type: single nucleotide variant.
Coding change: c.2568C>T on transcript NM_015261.3 (MANE Select); coding-DNA position 2568, C replaced by T.
Protein change: p.Tyr856=; no amino-acid change (tyrosine 856 retained).
Molecular consequence: synonymous variant.
Genome position (GRCh38, 1-based): chr11:134,178,928, G>A on the plus strand (C>T on the coding strand, the complement: NCAPD3 is on the minus strand). VCF-style: chr11-134178928-G-A. GRCh37 (hg19) VCF-style: chr11-134048823-G-A.
Other names: c.2568C>T, p.Tyr856= (NM_001372065.1, NM_001372068.1); c.2154C>T, p.Tyr718= (NM_001372069.1, NM_001372070.1).
Identifiers: ClinVar variation 3040459 (VCV003040459.2), dbSNP rs759492376, ClinGen allele CA6371217.
Genomic context (GRCh38, chr11:134,178,928, plus strand): 5'-GAAGATGCGCTTCTCCACCCTGGCTGGACACAGCTGGGCTATATCCCCTAAGGTAAAAAT[G>A]TACTTCACCTACAAAGATAATTGGTTTTACAGTAAAAATAAGGCAAAAGAAAAGTGAACT-3'
Protein context (NP_056076.1, residues 846-866): GNMDEDLLVK[Tyr856=]IFTLGDIAQL

ClinVar aggregate classification (germline): Likely benign (0 of 4 stars; one submission).

Conditions:
NCAPD3-related disorder. Also called: NCAPD3-related condition.

Allele frequency attached by ClinVar (database versions not stated): ExAC 0.00003; gnomAD exomes 0.00003; gnomAD 0.00009; TOPMed 0.00015.
gnomAD v4.1: 52 of 1,609,944 alleles (0.0032%); highest among the groups gnomAD compares: African/African-American, 0.023%; no homozygotes.

Submission:

PreventionGenetics, part of Exact Sciences
Classification: Likely benign for NCAPD3-related condition. Last evaluated: 2019-10-28. Review status: no assertion criteria provided. Collection method: clinical testing. Allele origin: germline.
Comment: This variant is classified as likely benign based on ACMG/AMP sequence variant interpretation guidelines (Richards et al. 2015 PMID: 25741868, with internal and published modifications).